The following is an entry in ClinVar:

ClinVar aggregate classification (germline): Conflicting classifications of pathogenicity. Review status: criteria provided, conflicting classifications (1 of 4 stars). 2 submissions from 2 submitters: Uncertain significance (1); Likely benign (1). Last evaluated 2024-09-12.

Conditions:
Hereditary cancer-predisposing syndrome. Also called: Hereditary Cancer Syndrome; Hereditary neoplastic syndrome; Neoplastic Syndromes, Hereditary; Tumor predisposition. Identifiers: Orphanet 140162, MedGen C0027672, MeSH D009386, MONDO:0015356.

Allele frequency attached by ClinVar (database versions not stated): TOPMed below 0.00001; gnomAD exomes 0.00001.
gnomAD v4.1: 5 of 1,614,152 alleles (0.00031%); highest among the groups gnomAD compares: Non-Finnish European, 0.00042%; no homozygotes.

Submissions (2):

Labcorp Genetics (formerly Invitae), Labcorp
Classification: Uncertain significance. Last evaluated: 2024-09-12. Review status: criteria provided, single submitter. Criteria: Invitae Variant Classification Sherloc (09022015). Collection method: clinical testing. Allele origin: germline.
Comment: This sequence change replaces leucine, which is neutral and non-polar, with proline, which is neutral and non-polar, at codon 146 of the MSH3 protein (p.Leu146Pro). This variant is not present in population databases (gnomAD no frequency). This variant has not been reported in the literature in individuals affected with MSH3-related conditions. ClinVar contains an entry for this variant (Variation ID: 1740153). An algorithm developed to predict the effect of missense changes on protein structure and function outputs the following: PolyPhen-2: "Benign". The proline amino acid residue is found in multiple mammalian species, which suggests that this missense change does not adversely affect protein function. In summary, the available evidence is currently insufficient to determine the role of this variant in disease. Therefore, it has been classified as a Variant of Uncertain Significance.

Ambry Genetics
Classification: Likely benign for Hereditary cancer-predisposing syndrome. Last evaluated: 2021-02-03. Review status: criteria provided, single submitter. Criteria: Ambry Variant Classification Scheme 2023. Collection method: clinical testing. Allele origin: germline.

NM_002439.5(MSH3):c.437T>C (p.Leu146Pro)

Gene: MSH3 (mutS homolog 3; plus strand). Cytogenetic location: 5q14.1.
Variant type: single nucleotide variant.
Coding change: c.437T>C on transcript NM_002439.5 (MANE Select); coding-DNA position 437, T replaced by C.
Protein change: p.Leu146Pro; replaces leucine 146 with proline.
Molecular consequence: missense variant.
Genome position (GRCh38, 1-based): chr5:80,665,221, T>C. VCF-style: chr5-80665221-T-C. GRCh37 (hg19) VCF-style: chr5-79961040-T-C.
Other names: short protein forms L146P.
Identifiers: ClinVar variation 1740153 (VCV001740153.7), dbSNP rs913692200, ClinGen allele CA121290964.